The following is an entry in ClinVar:

NM_002386.4(MC1R):c.884C>T (p.Pro295Leu)

Gene: MC1R (melanocortin 1 receptor; plus strand). Cytogenetic location: 16q24.3.
Variant type: single nucleotide variant.
Coding change: c.884C>T on transcript NM_002386.4 (MANE Select); coding-DNA position 884, C replaced by T.
Protein change: p.Pro295Leu; replaces proline 295 with leucine.
Molecular consequence: missense variant.
Genome position (GRCh38, 1-based): chr16:89,920,142, C>T. VCF-style: chr16-89920142-C-T. GRCh37 (hg19) VCF-style: chr16-89986550-C-T.
Other names: short protein forms P295L.
Identifiers: ClinVar variation 4859657 (VCV004859657.1).

ClinVar aggregate classification (germline): Uncertain significance (1 of 4 stars; one submission).

gnomAD v4.1: 1 of 1,613,996 alleles (0.000062%); highest among the groups gnomAD compares: South Asian, 0.0011%; no homozygotes.

Submission:

Ambry Genetics
Classification: Uncertain significance. Last evaluated: 2026-04-19. Review status: criteria provided, single submitter. Criteria: Ambry Variant Classification Scheme 2023. Collection method: clinical testing. Allele origin: germline.
Comment: The p.P295L variant (also known as c.884C>T), located in coding exon 1 of the MC1R gene, results from a C to T substitution at nucleotide position 884. The proline at codon 295 is replaced by leucine, an amino acid with similar properties. This amino acid position is conserved. In addition, this alteration is predicted to be deleterious by in silico analysis. Based on the available evidence, the clinical significance of this variant remains unclear.